The following is an entry in ClinVar:

ClinVar aggregate classification (germline): Likely benign (1 of 4 stars; one submission).

gnomAD v4.1: 224 of 1,545,840 alleles (0.014%); highest among the groups gnomAD compares: Middle Eastern, 0.17%; no homozygotes.

Submission:

CeGaT Center for Human Genetics Tuebingen
Classification: Likely benign. Last evaluated: 2024-12-01. Review status: criteria provided, single submitter. Criteria: CeGaT Center For Human Genetics Tuebingen Variant Classification Criteria Version 2. Collection method: clinical testing. Allele origin: germline. Affected: yes. Observed: 1 variant allele.
Comment: TSC2: BP4

NM_000548.5(TSC2):c.3883+69G>A

Gene: TSC2 (TSC complex subunit 2; plus strand). Cytogenetic location: 16p13.3.
Variant type: single nucleotide variant.
Coding change: c.3883+69G>A on transcript NM_000548.5 (MANE Select); 69 bases into the intron after coding-DNA position 3883, G replaced by A.
Molecular consequence: intron variant.
Genome position (GRCh38, 1-based): chr16:2,082,573, G>A. VCF-style: chr16-2082573-G-A. GRCh37 (hg19) VCF-style: chr16-2132574-G-A.
Other names: c.2341+775G>A (NM_001406693.1, NM_001406692.1, NM_001406694.1); c.3775+775G>A (NM_001406667.1); c.3772+775G>A (NM_001406668.1); c.3283+69G>A (NM_001406680.1); c.3214+775G>A (NM_001406683.1, NM_001406682.1); c.3082+775G>A (NM_001406687.1, NM_001406688.1); c.2470+775G>A (NM_001406689.1); c.2410+69G>A (NM_001406690.1); and 26 more.
Identifiers: ClinVar variation 3771460 (VCV003771460.13).